The following is an entry in ClinVar:

NM_000179.3(MSH6):c.379G>T (p.Val127Phe)

Gene: MSH6 (mutS homolog 6; plus strand). Cytogenetic location: 2p16.3.
Variant type: single nucleotide variant.
Coding change: c.379G>T on transcript NM_000179.3 (MANE Select); coding-DNA position 379, G replaced by T.
Protein change: p.Val127Phe; replaces valine 127 with phenylalanine.
Molecular consequence: missense variant. On other transcripts: 5 prime UTR variant (7), non-coding transcript variant (5), intron variant (6).
Genome position (GRCh38, 1-based): chr2:47,791,045, G>T. VCF-style: chr2-47791045-G-T. GRCh37 (hg19) VCF-style: chr2-48018184-G-T.
Other names: c.-358G>T (NM_001281493.2, NM_001406811.1, NM_001406823.1 and 1 more transcripts); c.-524G>T (NM_001281494.2); c.475G>T, p.Val159Phe (NM_001406795.1, NM_001406802.1); c.379G>T, p.Val127Phe (NM_001406796.1, NM_001406798.1, NM_001406800.1 and 6 more transcripts); c.82G>T, p.Val28Phe (NM_001406797.1, NM_001406801.1, NM_001406805.1 and 10 more transcripts); c.301G>T, p.Val101Phe (NM_001406804.1); c.-550G>T (NM_001406807.1); c.-616G>T (NM_001406814.1); and 6 more; short protein forms V101F, V127F, V159F, V28F, V71F.
Identifiers: ClinVar variation 3070966 (VCV003070966.2), dbSNP rs1553410307, ClinGen allele CA346737046.

ClinVar aggregate classification (germline): Uncertain significance. Review status: criteria provided, multiple submitters, no conflicts (2 of 4 stars). 2 submissions from 2 submitters: Uncertain significance (2). Last evaluated 2024-09-08.

Conditions:
Lynch syndrome. Identifiers: Orphanet 144, MedGen C4552100, MONDO:0005835. Disease mechanism: loss of function.
Hereditary cancer-predisposing syndrome. Also called: Hereditary neoplastic syndrome; Hereditary Cancer Syndrome; Neoplastic Syndromes, Hereditary; Tumor predisposition. Identifiers: Orphanet 140162, MedGen C0027672, MeSH D009386, MONDO:0015356.

Submissions (2):

Color Diagnostics, LLC DBA Color Health
Classification: Uncertain significance for Hereditary cancer-predisposing syndrome. Last evaluated: 2024-09-08. Review status: criteria provided, single submitter. Criteria: ACMG Guidelines, 2015. Collection method: clinical testing. Allele origin: germline.
Comment: This missense variant replaces valine with phenylalanine at codon 127 of the MSH6 protein. Computational prediction suggests that this variant may not impact protein structure and function (internally defined REVEL score threshold <= 0.5, PMID: 27666373). To our knowledge, functional studies have not been reported for this variant. This variant has not been reported in individuals affected with MSH6-related disorders in the literature. This variant has not been identified in the general population by the Genome Aggregation Database (gnomAD). The available evidence is insufficient to determine the role of this variant in disease conclusively. Therefore, this variant is classified as a Variant of Uncertain Significance.

All of Us Research Program, National Institutes of Health
Classification: Uncertain significance for Lynch syndrome. Last evaluated: 2023-05-15. Review status: criteria provided, single submitter. Criteria: ACMG Guidelines, 2015. Collection method: clinical testing. Allele origin: germline. Inheritance: Autosomal dominant inheritance. Observed: 1 variant allele, 1 heterozygote.
Comment: This missense variant replaces valine with phenylalanine at codon 127 of the MSH6 protein. Computational prediction suggests that this variant may not impact protein structure and function (internally defined REVEL score threshold <= 0.5, PMID: 27666373). To our knowledge, functional studies have not been reported for this variant. This variant has not been reported in individuals affected with MSH6-related disorders in the literature. This variant has not been identified in the general population by the Genome Aggregation Database (gnomAD). The available evidence is insufficient to determine the role of this variant in disease conclusively. Therefore, this variant is classified as a Variant of Uncertain Significance.

This study involves interpretation of variants in research participants for the purpose of population health screening. Participant phenotype was not available at the time of variant classification. Additional details can be found in publication PMID: 35346344, PMCID: PMC8962531